The following is an entry in ClinVar:

NM_022772.4(EPS8L2):c.1684G>T (p.Gly562Cys)

Gene: EPS8L2 (EPS8 signaling adaptor L2; plus strand). Cytogenetic location: 11p15.5.
Variant type: single nucleotide variant.
Coding change: c.1684G>T on transcript NM_022772.4 (MANE Select); coding-DNA position 1684, G replaced by T.
Protein change: p.Gly562Cys; replaces glycine 562 with cysteine.
Molecular consequence: missense variant.
Genome position (GRCh38, 1-based): chr11:726,101, G>T. VCF-style: chr11-726101-G-T. GRCh37 (hg19) VCF-style: chr11-726101-G-T.
Other names: c.1684G>T (NM_022772.3); short protein forms G562C.
Identifiers: ClinVar variation 2062598 (VCV002062598.2), dbSNP rs376984228, ClinGen allele CA5787747.

ClinVar aggregate classification (germline): Uncertain significance. Review status: criteria provided, multiple submitters, no conflicts (2 of 4 stars). 2 submissions from 2 submitters: Uncertain significance (2). Last evaluated 2026-03-09.

Conditions:
EPS8L2-related disorder. Also called: EPS8L2-related condition.

Allele frequency attached by ClinVar (database versions not stated): 1000 Genomes Project 30x 0.00016; ESP Exome Variant Server 0.00017; 1000 Genomes Project 0.00020.
gnomAD v4.1: 60 of 1,591,662 alleles (0.0038%); highest among the groups gnomAD compares: African/African-American, 0.052%; 1 homozygote.

Submissions (2):

PreventionGenetics, part of Exact Sciences
Classification: Uncertain significance for EPS8L2-related condition. Last evaluated: 2026-03-09. Review status: criteria provided, single submitter. Criteria: ACMG Guidelines, 2015. Collection method: clinical testing. Allele origin: germline.
Comment: The EPS8L2 c.1684G>T variant is predicted to result in the amino acid substitution p.Gly562Cys. To our knowledge, this variant has not been reported in the literature. This variant is reported in 0.043% of alleles in individuals of African descent in gnomAD. At this time, the clinical significance of this variant is uncertain due to the absence of conclusive functional and genetic evidence.

Labcorp Genetics (formerly Invitae), Labcorp
Classification: Uncertain significance. Last evaluated: 2021-12-29. Review status: criteria provided, single submitter. Criteria: Invitae Variant Classification Sherloc (09022015). Collection method: clinical testing. Allele origin: germline.
Comment: This sequence change replaces glycine, which is neutral and non-polar, with cysteine, which is neutral and slightly polar, at codon 562 of the EPS8L2 protein (p.Gly562Cys). This variant is present in population databases (rs376984228, gnomAD 0.05%). This variant has not been reported in the literature in individuals affected with EPS8L2-related conditions. Algorithms developed to predict the effect of missense changes on protein structure and function are either unavailable or do not agree on the potential impact of this missense change (SIFT: "Deleterious"; PolyPhen-2: "Possibly Damaging"; Align-GVGD: "Class C0"). In summary, the available evidence is currently insufficient to determine the role of this variant in disease. Therefore, it has been classified as a Variant of Uncertain Significance.